The following is an entry in ClinVar:

ClinVar aggregate classification (germline): Likely benign. Review status: criteria provided, multiple submitters, no conflicts (2 of 4 stars). 3 submissions from 3 submitters: Likely benign (3). Last evaluated 2025-12-17.

Conditions:
MPDZ-related disorder. Also called: MPDZ-related condition.
Inborn genetic diseases. Identifiers: MedGen C0950123, MeSH D030342.

Allele frequency attached by ClinVar (database versions not stated): ExAC 0.00027; gnomAD exomes 0.00029; ESP Exome Variant Server 0.00075; gnomAD 0.00094 and 0.00103; 1000 Genomes Project 30x 0.00109; TOPMed 0.00119; 1000 Genomes Project 0.00120.
gnomAD v4.1: 280 of 1,606,940 alleles (0.017%); highest among the groups gnomAD compares: African/African-American, 0.31%; 1 homozygote.

Submissions (3):

Labcorp Genetics (formerly Invitae), Labcorp
Classification: Likely benign. Last evaluated: 2025-12-17. Review status: criteria provided, single submitter. Criteria: Invitae Variant Classification Sherloc (09022015). Collection method: clinical testing. Allele origin: germline.

PreventionGenetics, part of Exact Sciences
Classification: Likely benign for MPDZ-related condition. Last evaluated: 2025-02-13. Review status: criteria provided, single submitter. Criteria: ACMG Guidelines, 2015. Collection method: clinical testing. Allele origin: germline.
Comment: This variant is classified as likely benign based on ACMG/AMP sequence variant interpretation guidelines (Richards et al. 2015 PMID: 25741868, with internal and published modifications).

Ambry Genetics
Classification: Likely benign for Inborn genetic diseases. Last evaluated: 2022-06-15. Review status: criteria provided, single submitter. Criteria: Ambry Variant Classification Scheme 2023. Collection method: clinical testing. Allele origin: germline.

NM_001378778.1(MPDZ):c.4426A>C (p.Ser1476Arg)

Gene: MPDZ (multiple PDZ domain crumbs cell polarity complex component; minus strand). Cytogenetic location: 9p23.
Variant type: single nucleotide variant.
Coding change: c.4426A>C on transcript NM_001378778.1 (MANE Select); coding-DNA position 4426, A replaced by C.
Protein change: p.Ser1476Arg; replaces serine 1476 with arginine.
Molecular consequence: missense variant.
Genome position (GRCh38, 1-based): chr9:13,133,862, T>G on the plus strand (A>C on the coding strand, the complement: MPDZ is on the minus strand). VCF-style: chr9-13133862-T-G. GRCh37 (hg19) VCF-style: chr9-13133861-T-G.
Other names: c.4327A>C, p.Ser1443Arg (NM_001261406.2, NM_001261407.2, NM_001375416.1 and 3 more transcripts); c.4426A>C, p.Ser1476Arg (NM_001330637.2, NM_003829.5); c.4525A>C, p.Ser1509Arg (NM_001375413.1); c.4216A>C, p.Ser1406Arg (NM_001375420.1, NM_001375421.1, NM_001375422.1 and 4 more transcripts); c.4018A>C, p.Ser1340Arg (NM_001375427.1); c.4426A>C (NM_003829.3); short protein forms S1476R, S1509R, S1340R, S1443R, S1406R.
Identifiers: ClinVar variation 712482 (VCV000712482.11), dbSNP rs188770909, ClinGen allele CA4986713.
Genomic context (GRCh38, chr9:13,133,862, plus strand): 5'-TTCCAATTCAAAGCAGATTTACCTTGGGAAGCTCCAGATGTTGCACATTTTTAAATGAAC[T>G]GAGGTCCACAGCTGCATCAGAAGTAGTAACAGTTGGCTCTGTCTGACAGAGGGAAAGAAA-3'
Protein context (NP_001365707.1, residues 1466-1486): VTTSDAAVDL[Ser1476Arg]SFKNVQHLEL